The following is an entry in ClinVar:

NM_019066.5(MAGEL2):c.488C>G (p.Pro163Arg)

Gene: MAGEL2 (MAGE family member L2; minus strand). Cytogenetic location: 15q11.2.
Variant type: single nucleotide variant.
Coding change: c.488C>G on transcript NM_019066.5 (MANE Select); coding-DNA position 488, C replaced by G.
Protein change: p.Pro163Arg; replaces proline 163 with arginine.
Molecular consequence: missense variant.
Genome position (GRCh38, 1-based): chr15:23,647,255, G>C on the plus strand (C>G on the coding strand, the complement: MAGEL2 is on the minus strand). VCF-style: chr15-23647255-G-C. GRCh37 (hg19) VCF-style: chr15-23892402-G-C.
Other names: short protein forms P163R.
Identifiers: ClinVar variation 3357853 (VCV003357853.2).

ClinVar aggregate classification (germline): Uncertain significance (1 of 4 stars; one submission).

Conditions:
MAGEL2-related disorder. Also called: MAGEL2-related condition.

gnomAD v4.1: 4 of 1,529,818 alleles (0.00026%); highest among the groups gnomAD compares: African/African-American, 0.0027%; no homozygotes.

Submission:

PreventionGenetics, part of Exact Sciences
Classification: Uncertain significance for MAGEL2-related condition. Last evaluated: 2024-11-18. Review status: criteria provided, single submitter. Criteria: ACMG Guidelines, 2015. Collection method: clinical testing. Allele origin: germline.
Comment: The MAGEL2 c.488C>G variant is predicted to result in the amino acid substitution p.Pro163Arg. To our knowledge, this variant has not been reported in the literature or in a large population database (gnomAD), indicating this variant is rare. At this time, the clinical significance of this variant is uncertain due to the absence of conclusive functional and genetic evidence.